The following is an entry in ClinVar:

ClinVar aggregate classification (germline): Uncertain significance. Review status: criteria provided, multiple submitters, no conflicts (2 of 4 stars). 4 submissions from 4 submitters: Uncertain significance (4). Last evaluated 2026-04-10.

Conditions:
Hereditary cancer-predisposing syndrome. Also called: Neoplastic Syndromes, Hereditary; Hereditary Cancer Syndrome; Tumor predisposition; Hereditary neoplastic syndrome. Identifiers: Orphanet 140162, MedGen C0027672, MeSH D009386, MONDO:0015356.
Familial cancer of breast. Also called: Hereditary breast cancer; BREAST CANCER, FAMILIAL; hereditary breast carcinoma. Identifiers: Orphanet 227535, MedGen C0346153, MONDO:0016419, OMIM 114480. Disease mechanism: loss of function.
Ataxia-telangiectasia syndrome (AT). Also called: LOUIS-BAR SYNDROME; Cerebello-oculocutaneous telangiectasia; Immunodeficiency with ataxia telangiectasia; Ataxia-telangiectasia, complementation group D; AT, COMPLEMENTATION GROUP C; Ataxia-telangiectasia, complementation group E. Identifiers: Orphanet 100, MedGen C0004135, MONDO:0008840, OMIM 208900.

Allele frequency attached by ClinVar (database versions not stated): gnomAD exomes below 0.00001.
gnomAD v4.1: 2 of 1,604,112 alleles (0.00012%); highest among the groups gnomAD compares: Non-Finnish European, 0.00017%; no homozygotes.

Submissions (4):

Ambry Genetics
Classification: Uncertain significance for Hereditary cancer-predisposing syndrome. Last evaluated: 2026-04-10. Review status: criteria provided, single submitter. Criteria: Ambry Variant Classification Scheme 2023. Collection method: clinical testing. Allele origin: germline.
Comment: The p.Y2144C variant (also known as c.6431A>G), located in coding exon 43 of the ATM gene, results from an A to G substitution at nucleotide position 6431. The tyrosine at codon 2144 is replaced by cysteine, an amino acid with highly dissimilar properties. In an assay testing ATM function, this variant showed a functionally normal result (Lee KS et al. Cell, 2025 Sep;188:5081-5099.e27). This amino acid position is not well conserved in available vertebrate species. In addition, the in silico prediction for this alteration is inconclusive. Based on the available evidence, the clinical significance of this variant remains unclear.

Labcorp Genetics (formerly Invitae), Labcorp
Classification: Uncertain significance for Ataxia-telangiectasia syndrome. Last evaluated: 2024-04-24. Review status: criteria provided, single submitter. Criteria: Invitae Variant Classification Sherloc (09022015). Collection method: clinical testing. Allele origin: germline.
Comment: This sequence change replaces tyrosine, which is neutral and polar, with cysteine, which is neutral and slightly polar, at codon 2144 of the ATM protein (p.Tyr2144Cys). This variant is not present in population databases (gnomAD no frequency). This variant has not been reported in the literature in individuals affected with ATM-related conditions. ClinVar contains an entry for this variant (Variation ID: 489572). An algorithm developed to predict the effect of missense changes on protein structure and function (PolyPhen-2) suggests that this variant is likely to be disruptive. In summary, the available evidence is currently insufficient to determine the role of this variant in disease. Therefore, it has been classified as a Variant of Uncertain Significance.

Fulgent Genetics
Classification: Uncertain significance for Familial cancer of breast; Ataxia-telangiectasia syndrome. Last evaluated: 2021-12-30. Review status: criteria provided, single submitter. Criteria: ACMG Guidelines, 2015. Collection method: clinical testing. Allele origin: unknown.

Color Diagnostics, LLC DBA Color Health
Classification: Uncertain significance for Hereditary cancer-predisposing syndrome. Last evaluated: 2019-06-05. Review status: criteria provided, single submitter. Criteria: ACMG Guidelines, 2015. Collection method: clinical testing. Allele origin: germline.

Literature cited by the submitters: PubMed 40580951 (cited by Ambry Genetics).

NM_000051.4(ATM):c.6431A>G (p.Tyr2144Cys)

Genes: ATM (ATM serine/threonine kinase; plus strand), C11orf65 (chromosome 11 open reading frame 65; minus strand). Cytogenetic location: 11q22.3.
Variant type: single nucleotide variant.
Coding change: c.6431A>G on transcript NM_000051.4 (MANE Select); coding-DNA position 6431, A replaced by G.
Protein change: p.Tyr2144Cys; replaces tyrosine 2144 with cysteine.
Molecular consequence: missense variant. On other transcripts: intron variant (2).
Genome position (GRCh38, 1-based): chr11:108,320,037, A>G. VCF-style: chr11-108320037-A-G. GRCh37 (hg19) VCF-style: chr11-108190764-A-G.
Other names: c.6431A>G, p.Tyr2144Cys (NM_001351834.2); c.641-10966T>C (NM_001330368.2); c.*39-10966T>C (NM_001351110.2); short protein forms Y2144C.
Identifiers: ClinVar variation 489572 (VCV000489572.11), dbSNP rs1555116507, ClinGen allele CA382553553.